The following is an entry in ClinVar:

ClinVar aggregate classification (germline): Uncertain significance (1 of 4 stars; one submission).

Submission:

Labcorp Genetics (formerly Invitae), Labcorp
Classification: Uncertain significance. Last evaluated: 2024-10-26. Review status: criteria provided, single submitter. Criteria: Invitae Variant Classification Sherloc (09022015). Collection method: clinical testing. Allele origin: germline.
Comment: This sequence change replaces arginine, which is basic and polar, with threonine, which is neutral and polar, at codon 1247 of the MPDZ protein (p.Arg1247Thr). This variant is not present in population databases (gnomAD no frequency). This variant has not been reported in the literature in individuals affected with MPDZ-related conditions. ClinVar contains an entry for this variant (Variation ID: 1939778). An algorithm developed to predict the effect of missense changes on protein structure and function (PolyPhen-2) suggests that this variant is likely to be disruptive. In summary, the available evidence is currently insufficient to determine the role of this variant in disease. Therefore, it has been classified as a Variant of Uncertain Significance.

NM_001378778.1(MPDZ):c.3740G>C (p.Arg1247Thr)

Gene: MPDZ (multiple PDZ domain crumbs cell polarity complex component; minus strand). Cytogenetic location: 9p23.
Variant type: single nucleotide variant.
Coding change: c.3740G>C on transcript NM_001378778.1 (MANE Select); coding-DNA position 3740, G replaced by C.
Protein change: p.Arg1247Thr; replaces arginine 1247 with threonine.
Molecular consequence: missense variant. On other transcripts: intron variant (8).
Genome position (GRCh38, 1-based): chr9:13,147,549, C>G on the plus strand (G>C on the coding strand, the complement: MPDZ is on the minus strand). VCF-style: chr9-13147549-C-G. GRCh37 (hg19) VCF-style: chr9-13147548-C-G.
Other names: c.3740G>C, p.Arg1247Thr (NM_001261406.2, NM_001261407.2, NM_001330637.2 and 6 more transcripts); c.3630+2962G>C (NM_001375425.1, NM_001375420.1, NM_001375423.1 and 4 more transcripts); c.3432+2962G>C (NM_001375427.1); short protein forms R1247T.
Identifiers: ClinVar variation 1939778 (VCV001939778.5), dbSNP rs754568949, ClinGen allele CA372950364.